The following is an entry in ClinVar:

ClinVar aggregate classification (germline): Uncertain significance (0 of 4 stars; one submission).

Conditions:
SEMA3D-related disorder. Also called: SEMA3D-related condition.

gnomAD v4.1: 43 of 1,613,204 alleles (0.0027%); highest among the groups gnomAD compares: Non-Finnish European, 0.0034%; no homozygotes.

Submission:

PreventionGenetics, part of Exact Sciences
Classification: Uncertain significance for SEMA3D-related condition. Last evaluated: 2024-06-10. Review status: no assertion criteria provided. Collection method: clinical testing. Allele origin: germline.
Comment: The SEMA3D c.1123C>T variant is predicted to result in the amino acid substitution p.His375Tyr. To our knowledge, this variant has not been reported in the literature. This variant is reported in 0.0027% of alleles in individuals of European (Non-Finnish) descent in gnomAD. At this time, the clinical significance of this variant is uncertain due to the absence of conclusive functional and genetic evidence.

NM_001384900.1(SEMA3D):c.1123C>T (p.His375Tyr)

Gene: SEMA3D (semaphorin 3D; minus strand). Cytogenetic location: 7q21.11.
Variant type: single nucleotide variant.
Coding change: c.1123C>T on transcript NM_001384900.1 (MANE Select); coding-DNA position 1123, C replaced by T.
Protein change: p.His375Tyr; replaces histidine 375 with tyrosine.
Molecular consequence: missense variant.
Genome position (GRCh38, 1-based): chr7:85,036,957, G>A on the plus strand (C>T on the coding strand, the complement: SEMA3D is on the minus strand). VCF-style: chr7-85036957-G-A. GRCh37 (hg19) VCF-style: chr7-84666273-G-A.
Other names: c.1123C>T, p.His375Tyr (NM_001384901.1, NM_001384902.1, NM_001384903.1 and 1 more transcripts); short protein forms H375Y.
Identifiers: ClinVar variation 3350976 (VCV003350976.1).